The following is an entry in ClinVar:

ClinVar aggregate classification (germline): Uncertain significance (1 of 4 stars; one submission).

Conditions:
Duchenne muscular dystrophy (DMD). Also called: MUSCULAR DYSTROPHY, PSEUDOHYPERTROPHIC PROGRESSIVE, DUCHENNE TYPE; Duchenne Muscular Dystrophy (DMD). Identifiers: Orphanet 98896, MedGen C0013264, MONDO:0010679, OMIM 310200.

Submission:

Labcorp Genetics (formerly Invitae), Labcorp
Classification: Uncertain significance for Duchenne muscular dystrophy. Last evaluated: 2021-10-19. Review status: criteria provided, single submitter. Criteria: Invitae Variant Classification Sherloc (09022015). Collection method: clinical testing. Allele origin: germline.
Comment: This variant is not present in population databases (ExAC no frequency). This sequence change replaces methionine with threonine at codon 1603 of the DMD protein (p.Met1603Thr). The methionine residue is highly conserved and there is a moderate physicochemical difference between methionine and threonine. This variant has not been reported in the literature in individuals affected with DMD-related conditions. In summary, the available evidence is currently insufficient to determine the role of this variant in disease. Therefore, it has been classified as a Variant of Uncertain Significance. Algorithms developed to predict the effect of missense changes on protein structure and function are either unavailable or do not agree on the potential impact of this missense change (SIFT: "Deleterious"; PolyPhen-2: "Benign"; Align-GVGD: "Class C0").

NM_004006.3(DMD):c.4808T>C (p.Met1603Thr)

Gene: DMD (dystrophin; minus strand). Cytogenetic location: Xp21.1.
Variant type: single nucleotide variant.
Coding change: c.4808T>C on transcript NM_004006.3 (MANE Select); coding-DNA position 4808, T replaced by C.
Protein change: p.Met1603Thr; replaces methionine 1603 with threonine.
Molecular consequence: missense variant.
Genome position (GRCh38, 1-based): chrX:32,380,547, A>G on the plus strand (T>C on the coding strand, the complement: DMD is on the minus strand). VCF-style: chrX-32380547-A-G. GRCh37 (hg19) VCF-style: chrX-32398664-A-G.
Other names: c.4784T>C, p.Met1595Thr (NM_000109.4); c.4796T>C, p.Met1599Thr (NM_004009.3); c.4439T>C, p.Met1480Thr (NM_004010.3); c.785T>C, p.Met262Thr (NM_004011.4); c.776T>C, p.Met259Thr (NM_004012.4); short protein forms M1599T, M1603T, M262T, M1480T, M1595T, M259T.
Identifiers: ClinVar variation 1396880 (VCV001396880.6), dbSNP rs2147470301, ClinGen allele CA412661085.